The following is an entry in ClinVar:

NM_000047.3(ARSL):c.463G>A (p.Ala155Thr)

Gene: ARSL (arylsulfatase L; minus strand). Cytogenetic location: Xp22.33.
Variant type: single nucleotide variant.
Coding change: c.463G>A on transcript NM_000047.3 (MANE Select); coding-DNA position 463, G replaced by A.
Protein change: p.Ala155Thr; replaces alanine 155 with threonine.
Molecular consequence: missense variant.
Genome position (GRCh38, 1-based): chrX:2,949,695, C>T on the plus strand (G>A on the coding strand, the complement: ARSL is on the minus strand). VCF-style: chrX-2949695-C-T. GRCh37 (hg19) VCF-style: chrX-2867736-C-T.
Other names: c.538G>A, p.Ala180Thr (NM_001282628.2, NM_001369080.1); c.301G>A, p.Ala101Thr (NM_001282631.2); c.490G>A, p.Ala164Thr (NM_001369079.1); short protein forms A101T, A155T, A164T, A180T.
Identifiers: ClinVar variation 1723854 (VCV001723854.2), dbSNP rs2518358997, ClinGen allele CA412281482.

ClinVar aggregate classification (germline): Uncertain significance (1 of 4 stars; one submission).

Submission:

GeneDx
Classification: Uncertain significance. Last evaluated: 2022-05-10. Review status: criteria provided, single submitter. Criteria: GeneDx Variant Classification Process June 2021. Collection method: clinical testing. Allele origin: germline. Affected: yes.
Comment: Not observed at significant frequency in large population cohorts (gnomAD); In silico analysis supports that this missense variant does not alter protein structure/function; Has not been previously published as pathogenic or benign to our knowledge